The following is an entry in ClinVar:

ClinVar aggregate classification (germline): Uncertain significance (1 of 4 stars; one submission).

Conditions:
Deficiency of phosphoserine phosphatase (PSPHD). Also called: Phosphoserine phosphatase deficiency; PSPH deficiency. Identifiers: Orphanet 79350, MedGen C1291463, MONDO:0013531, OMIM 614023.

Allele frequency attached by ClinVar (database versions not stated): TOPMed 0.00001; ExAC 0.00004; gnomAD 0.00001.
gnomAD v4.1: 55 of 1,613,856 alleles (0.0034%); highest among the groups gnomAD compares: South Asian, 0.0011%; no homozygotes.

Submission:

Labcorp Genetics (formerly Invitae), Labcorp
Classification: Uncertain significance for Deficiency of phosphoserine phosphatase. Last evaluated: 2023-02-01. Review status: criteria provided, single submitter. Criteria: Invitae Variant Classification Sherloc (09022015). Collection method: clinical testing. Allele origin: germline.
Comment: In summary, the available evidence is currently insufficient to determine the role of this variant in disease. Therefore, it has been classified as a Variant of Uncertain Significance. Algorithms developed to predict the effect of missense changes on protein structure and function (SIFT, PolyPhen-2, Align-GVGD) all suggest that this variant is likely to be tolerated. ClinVar contains an entry for this variant (Variation ID: 1389630). This variant has not been reported in the literature in individuals affected with PSPH-related conditions. This variant is present in population databases (rs750270446, gnomAD 0.08%). This sequence change replaces glycine, which is neutral and non-polar, with aspartic acid, which is acidic and polar, at codon 156 of the PSPH protein (p.Gly156Asp).

NM_004577.4(PSPH):c.467G>A (p.Gly156Asp)

Gene: PSPH (phosphoserine phosphatase; minus strand). Cytogenetic location: 7p11.2.
Variant type: single nucleotide variant.
Coding change: c.467G>A on transcript NM_004577.4 (MANE Select); coding-DNA position 467, G replaced by A.
Protein change: p.Gly156Asp; replaces glycine 156 with aspartic acid.
Molecular consequence: missense variant.
Genome position (GRCh38, 1-based): chr7:56,015,126, C>T on the plus strand (G>A on the coding strand, the complement: PSPH is on the minus strand). VCF-style: chr7-56015126-C-T. GRCh37 (hg19) VCF-style: chr7-56082819-C-T.
Other names: c.467G>A, p.Gly156Asp (NM_001370503.1, NM_001370504.1, NM_001370505.1 and 17 more transcripts); short protein forms G156D.
Identifiers: ClinVar variation 1389630 (VCV001389630.6), dbSNP rs750270446, ClinGen allele CA4268623.